The following is an entry in ClinVar:

ClinVar aggregate classification (germline): Benign/Likely benign. Review status: criteria provided, multiple submitters, no conflicts (2 of 4 stars). 14 submissions from 13 submitters: Benign (6); Likely benign (6). 2 of the submissions do not count toward it. Last evaluated 2026-01-18.

Conditions:
Cardiovascular phenotype. Identifiers: MedGen CN230736.
Left ventricular noncompaction 10 (LVNC10). Identifiers: Orphanet 154, Orphanet 54260, MedGen C3715165, MONDO:0014163, OMIM 615396.
Cardiomyopathy (CMYO). Also called: Cardiomyopathies. Identifiers: Orphanet 167848, MedGen C0878544, MONDO:0004994, HP:0001638. Inheritance: Various modes of inheritance.
Hypertrophic cardiomyopathy 4. Also called: Familial hypertrophic cardiomyopathy 4. Identifiers: MedGen C1861862, MONDO:0007268, OMIM 115197.
Hypertrophic cardiomyopathy. Also called: HYPERTROPHIC MYOCARDIOPATHY. Identifiers: Orphanet 217569, MedGen C0007194, MeSH D002312, MONDO:0005045, HP:0001639.

Allele frequency attached by ClinVar (database versions not stated): gnomAD 0.00014 and 0.00040; TOPMed 0.00016; 1000 Genomes Project 30x 0.00125; 1000 Genomes Project 0.00140.
gnomAD v4.1: 913 of 1,607,440 alleles (0.057%); highest among the groups gnomAD compares: South Asian, 0.71%; 12 homozygotes.

Submissions (14):

Labcorp Genetics (formerly Invitae), Labcorp
Classification: Benign for Hypertrophic cardiomyopathy. Last evaluated: 2026-01-18. Review status: criteria provided, single submitter. Criteria: Invitae Variant Classification Sherloc (09022015). Collection method: clinical testing. Allele origin: germline.

Blueprint Genetics
Classification: Likely benign. Last evaluated: 2024-11-07. Review status: criteria provided, single submitter. Criteria: ACMG Guidelines, 2015. Collection method: clinical testing. Allele origin: germline.

CeGaT Center for Human Genetics Tuebingen
Classification: Likely benign. Last evaluated: 2024-10-01. Review status: criteria provided, single submitter. Criteria: CeGaT Center For Human Genetics Tuebingen Variant Classification Criteria Version 2. Collection method: clinical testing. Allele origin: germline. Affected: yes. Observed: 9 variant alleles.
Comment: MYBPC3: BP4, BS2

CHEO Genetics Diagnostic Laboratory, Children's Hospital of Eastern Ontario
Classification: Benign for Cardiomyopathy. Last evaluated: 2023-01-13. Review status: criteria provided, single submitter. Criteria: ACMG Guidelines, 2015. Collection method: clinical testing. Allele origin: germline.

Ambry Genetics
Classification: Likely benign for Cardiovascular phenotype. Last evaluated: 2018-11-29. Review status: criteria provided, single submitter. Criteria: Ambry Variant Classification Scheme 2023. Collection method: clinical testing. Allele origin: germline.

Color Diagnostics, LLC DBA Color Health
Classification: Benign for Cardiomyopathy. Last evaluated: 2018-06-18. Review status: criteria provided, single submitter. Criteria: ACMG Guidelines, 2015. Collection method: clinical testing. Allele origin: germline.

Illumina Laboratory Services, Illumina
Classification: Likely benign for Hypertrophic cardiomyopathy 4. Last evaluated: 2018-01-13. Review status: criteria provided, single submitter. Criteria: ICSL Variant Classification Criteria 13 December 2019. Collection method: clinical testing. Allele origin: germline.
Comment: This variant was observed in the ICSL laboratory as part of a predisposition screen in an ostensibly healthy population. It had not been previously curated by ICSL or reported in the Human Gene Mutation Database (HGMD: prior to June 1st, 2018), and was therefore a candidate for classification through an automated scoring system. Utilizing variant allele frequency, disease prevalence and penetrance estimates, and inheritance mode, an automated score was calculated to assess if this variant is too frequent to cause the disease. Based on the score and internal cut-off values, a variant classified as likely benign is not then subjected to further curation. The score for this variant resulted in a classification of likely benign for this disease.

Illumina Laboratory Services, Illumina
Classification: Benign for Left ventricular noncompaction 10. Last evaluated: 2018-01-13. Review status: criteria provided, single submitter. Criteria: ICSL Variant Classification Criteria 13 December 2019. Collection method: clinical testing. Allele origin: germline.
Comment: This variant was observed in the ICSL laboratory as part of a predisposition screen in an ostensibly healthy population. It had not been previously curated by ICSL or reported in the Human Gene Mutation Database (HGMD: prior to June 1st, 2018), and was therefore a candidate for classification through an automated scoring system. Utilizing variant allele frequency, disease prevalence and penetrance estimates, and inheritance mode, an automated score was calculated to assess if this variant is too frequent to cause the disease. Based on the score and internal cut-off values, a variant classified as benign is not then subjected to further curation. The score for this variant resulted in a classification of benign for this disease.

Genome Diagnostics Laboratory, University Medical Center Utrecht
Classification: Likely benign for Hypertrophic cardiomyopathy 4. Last evaluated: 2017-07-28. Review status: criteria provided, single submitter. Criteria: ACGS Guidelines, 2013. Collection method: clinical testing. Allele origin: germline. Affected: yes. Study: VKGL Data-share Consensus.

Clinical Genetics DNA and cytogenetics Diagnostics Lab, Erasmus MC, Erasmus Medical Center
Classification: Benign for Hypertrophic cardiomyopathy 4. Last evaluated: 2015-09-21. Review status: criteria provided, single submitter. Criteria: ACGS Guidelines, 2013. Collection method: clinical testing. Allele origin: germline. Affected: yes. Study: VKGL Data-share Consensus.

GeneDx
Classification: Benign. Last evaluated: 2015-03-03. Review status: criteria provided, single submitter. Criteria: GeneDx Variant Classification Process June 2021. Collection method: clinical testing. Allele origin: germline. Affected: yes.
Comment: This variant is associated with the following publications: (PMID: 25351510)

Laboratory for Molecular Medicine, Mass General Brigham Personalized Medicine
Classification: Likely benign. Last evaluated: 2012-08-21. Review status: criteria provided, single submitter. Criteria: LMM Criteria. Collection method: clinical testing. Allele origin: germline. Observed: 3 variant alleles.
Comment: 2149-5C>T in intron 22 of MYBPC3: This variant is not expected to have clinical significance because it is not located within the splice consensus sequence. It has been identified in 2/120 Columbian chromosomes from a broad population by th e 1000 Genomes project and in 3% (9/300) of Indian chromosomes from a population that included both unaffected individuals and individuals with HCM (dbSNP rs362 11722).

Clinical Genetics, Academic Medical Center
Classification: Benign. Review status: no assertion criteria provided. Collection method: clinical testing. Allele origin: germline. Affected: yes. Study: VKGL Data-share Consensus. Not counted in ClinVar's aggregate classification.

Joint Genome Diagnostic Labs from Nijmegen and Maastricht, Radboudumc and MUMC+
Classification: Likely benign. Review status: no assertion criteria provided. Collection method: clinical testing. Allele origin: germline. Affected: yes. Study: VKGL Data-share Consensus. Not counted in ClinVar's aggregate classification.

NM_000256.3(MYBPC3):c.2149-5C>T

Gene: MYBPC3 (myosin binding protein C3; minus strand). Cytogenetic location: 11p11.2.
Variant type: single nucleotide variant.
Coding change: c.2149-5C>T on transcript NM_000256.3 (MANE Select); 5 bases into the intron before coding-DNA position 2149, C replaced by T.
Molecular consequence: intron variant.
Genome position (GRCh38, 1-based): chr11:47,338,684, G>A on the plus strand (C>T on the coding strand, the complement: MYBPC3 is on the minus strand). VCF-style: chr11-47338684-G-A. GRCh37 (hg19) VCF-style: chr11-47360235-G-A.
Identifiers: ClinVar variation 42599 (VCV000042599.70), dbSNP rs36211722, ClinGen allele CA011772.